The following is an entry in ClinVar:

NM_002850.4(PTPRS):c.2958G>A (p.Ala986=)

Gene: PTPRS (protein tyrosine phosphatase receptor type S; minus strand). Cytogenetic location: 19p13.3.
Variant type: single nucleotide variant.
Coding change: c.2958G>A on transcript NM_002850.4 (MANE Select); coding-DNA position 2958, G replaced by A.
Protein change: p.Ala986=; no amino-acid change (alanine 986 retained).
Molecular consequence: synonymous variant. On other transcripts: intron variant (2).
Genome position (GRCh38, 1-based): chr19:5,222,834, C>T on the plus strand (G>A on the coding strand, the complement: PTPRS is on the minus strand). VCF-style: chr19-5222834-C-T. GRCh37 (hg19) VCF-style: chr19-5222845-C-T.
Other names: c.2892G>A, p.Ala964= (NM_001394011.1, NM_001394013.1, NM_130854.3); c.2919G>A, p.Ala973= (NM_001394012.1); c.1811-614G>A (NM_130853.3); c.1823-614G>A (NM_130855.3).
Identifiers: ClinVar variation 3041304 (VCV003041304.2), dbSNP rs199734331, ClinGen allele CA9109796.

ClinVar aggregate classification (germline): Likely benign (0 of 4 stars; one submission).

Conditions:
PTPRS-related disorder. Also called: PTPRS-related condition.

Allele frequency attached by ClinVar (database versions not stated): 1000 Genomes Project 30x 0.00016; ExAC 0.00023; gnomAD 0.00037; TOPMed 0.00048; ESP Exome Variant Server 0.00051.
gnomAD v4.1: 332 of 1,594,526 alleles (0.021%); highest among the groups gnomAD compares: East Asian, 0.079%; no homozygotes.

Submission:

PreventionGenetics, part of Exact Sciences
Classification: Likely benign for PTPRS-related condition. Last evaluated: 2019-05-10. Review status: no assertion criteria provided. Collection method: clinical testing. Allele origin: germline.
Comment: This variant is classified as likely benign based on ACMG/AMP sequence variant interpretation guidelines (Richards et al. 2015 PMID: 25741868, with internal and published modifications).